The following is an entry in ClinVar:

ClinVar aggregate classification (germline): Uncertain significance. Review status: criteria provided, multiple submitters, no conflicts (2 of 4 stars). 2 submissions from 2 submitters: Uncertain significance (2). Last evaluated 2025-01-17.

Conditions:
Hyperkalemic periodic paralysis. Also called: Familial hyperkalemic periodic paralysis; Gamstorp disease. Identifiers: Orphanet 682, MedGen C0238357, MONDO:0008224, OMIM 170500, HP:0007215.
Inborn genetic diseases. Identifiers: MedGen C0950123, MeSH D030342.

gnomAD v4.1: 2 of 1,613,510 alleles (0.00012%); highest among the groups gnomAD compares: Non-Finnish European, 0.00017%; no homozygotes.

Submissions (2):

Ambry Genetics
Classification: Uncertain significance for Inborn genetic diseases. Last evaluated: 2025-01-17. Review status: criteria provided, single submitter. Criteria: Ambry Variant Classification Scheme 2023. Collection method: clinical testing. Allele origin: germline.

Labcorp Genetics (formerly Invitae), Labcorp
Classification: Uncertain significance for Hyperkalemic periodic paralysis. Last evaluated: 2024-01-25. Review status: criteria provided, single submitter. Criteria: Invitae Variant Classification Sherloc (09022015). Collection method: clinical testing. Allele origin: germline.
Comment: This sequence change replaces aspartic acid, which is acidic and polar, with glutamic acid, which is acidic and polar, at codon 57 of the SCN4A protein (p.Asp57Glu). This variant is not present in population databases (gnomAD no frequency). This variant has not been reported in the literature in individuals affected with SCN4A-related conditions. Advanced modeling of protein sequence and biophysical properties (such as structural, functional, and spatial information, amino acid conservation, physicochemical variation, residue mobility, and thermodynamic stability) has been performed at Invitae for this missense variant, however the output from this modeling did not meet the statistical confidence thresholds required to predict the impact of this variant on SCN4A protein function. In summary, the available evidence is currently insufficient to determine the role of this variant in disease. Therefore, it has been classified as a Variant of Uncertain Significance.

NM_000334.4(SCN4A):c.171C>A (p.Asp57Glu)

Gene: SCN4A (sodium voltage-gated channel alpha subunit 4; minus strand). Cytogenetic location: 17q23.3.
Variant type: single nucleotide variant.
Coding change: c.171C>A on transcript NM_000334.4 (MANE Select); coding-DNA position 171, C replaced by A.
Protein change: p.Asp57Glu; replaces aspartic acid 57 with glutamic acid.
Molecular consequence: missense variant.
Genome position (GRCh38, 1-based): chr17:63,972,671, G>T on the plus strand (C>A on the coding strand, the complement: SCN4A is on the minus strand). VCF-style: chr17-63972671-G-T. GRCh37 (hg19) VCF-style: chr17-62050031-G-T.
Other names: short protein forms D57E.
Identifiers: ClinVar variation 3617876 (VCV003617876.3).
Genomic context (GRCh38, chr17:63,972,671, plus strand): 5'-GCCGATGACCTCCGGCGGGGGGTCTCCGTAGATCATGGGTAGGTTCTTGCCAGCCTCCAA[G>T]TCACTTCGTGGCTTCCGTTCGGGCTCCTCAATCTCCATCTGCTTATTCCGCTGCAGCCGG-3'
Protein context (NP_000325.4, residues 47-67): IEEPERKPRS[Asp57Glu]LEAGKNLPMI